The following is an entry in ClinVar:

ClinVar aggregate classification (germline): Uncertain significance (1 of 4 stars; one submission).

Submission:

Ambry Genetics
Classification: Uncertain significance. Last evaluated: 2026-03-19. Review status: criteria provided, single submitter. Criteria: Ambry Variant Classification Scheme 2023. Collection method: clinical testing. Allele origin: germline.
Comment: The p.L496V variant (also known as c.1486C>G), located in coding exon 11 of the RINT1 gene, results from a C to G substitution at nucleotide position 1486. The leucine at codon 496 is replaced by valine, an amino acid with highly similar properties. This amino acid position is conserved. In addition, this alteration is predicted to be deleterious by in silico analysis. Based on the available evidence, the clinical significance of this variant remains unclear.

NM_021930.6(RINT1):c.1486C>G (p.Leu496Val)

Gene: RINT1 (RAD50 interactor 1; plus strand). Cytogenetic location: 7q22.3.
Variant type: single nucleotide variant.
Coding change: c.1486C>G on transcript NM_021930.6 (MANE Select); coding-DNA position 1486, C replaced by G.
Protein change: p.Leu496Val; replaces leucine 496 with valine.
Molecular consequence: missense variant.
Genome position (GRCh38, 1-based): chr7:105,555,042, C>G. VCF-style: chr7-105555042-C-G. GRCh37 (hg19) VCF-style: chr7-105195489-C-G.
Other names: c.1252C>G, p.Leu418Val (NM_001346599.2); c.463C>G, p.Leu155Val (NM_001346600.2, NM_001346603.2); c.562C>G, p.Leu188Val (NM_001346601.2); short protein forms L155V, L188V, L418V, L496V.
Identifiers: ClinVar variation 4863322 (VCV004863322.1).